The following is an entry in ClinVar:

ClinVar aggregate classification (germline): Uncertain significance (1 of 4 stars; one submission).

Allele frequency attached by ClinVar (database versions not stated): gnomAD exomes below 0.00001.
gnomAD v4.1: 1 of 1,613,998 alleles (0.000062%); highest among the groups gnomAD compares: Non-Finnish European, 0.000085%; no homozygotes.

Submission:

GeneDx
Classification: Uncertain significance. Last evaluated: 2020-03-06. Review status: criteria provided, single submitter. Criteria: GeneDx Variant Classification Process June 2021. Collection method: clinical testing. Allele origin: germline. Affected: yes.
Comment: Has not been previously published as pathogenic or benign to our knowledge; Not observed in large population cohorts (Lek et al., 2016); In silico analysis supports that this missense variant has a deleterious effect on protein structure/function; Does not affect a cysteine residue within a calcium-binding EGF-like domain of the FBN1 gene; cysteine substitutions in the calcium-binding EGF-like domains represent the majority of pathogenic missense changes associated with FBN1-related disorders (Collod-Beroud et al., 2003).

NM_000138.5(FBN1):c.2092C>T (p.Pro698Ser)

Gene: FBN1 (fibrillin 1; minus strand). Cytogenetic location: 15q21.1.
Variant type: single nucleotide variant.
Coding change: c.2092C>T on transcript NM_000138.5 (MANE Select); coding-DNA position 2092, C replaced by T.
Protein change: p.Pro698Ser; replaces proline 698 with serine.
Molecular consequence: missense variant.
Genome position (GRCh38, 1-based): chr15:48,503,808, G>A on the plus strand (C>T on the coding strand, the complement: FBN1 is on the minus strand). VCF-style: chr15-48503808-G-A. GRCh37 (hg19) VCF-style: chr15-48796005-G-A.
Other names: short protein forms P698S.
Identifiers: ClinVar variation 426442 (VCV000426442.3), dbSNP rs1085307625, ClinGen allele CA392337991.